The following is an entry in ClinVar:

ClinVar aggregate classification (germline): Likely benign (0 of 4 stars; one submission).

Conditions:
TRPC5-related disorder. Also called: TRPC5-related condition.

Allele frequency attached by ClinVar (database versions not stated): gnomAD 0.00001; gnomAD exomes 0.00002; TOPMed 0.00004.
gnomAD v4.1: 23 of 1,207,907 alleles (0.0019%); highest among the groups gnomAD compares: Non-Finnish European, 0.0025%; no homozygotes.

Submission:

PreventionGenetics, part of Exact Sciences
Classification: Likely benign for TRPC5-related condition. Last evaluated: 2023-04-26. Review status: no assertion criteria provided. Collection method: clinical testing. Allele origin: germline.
Comment: This variant is classified as likely benign based on ACMG/AMP sequence variant interpretation guidelines (Richards et al. 2015 PMID: 25741868, with internal and published modifications).

NM_012471.3(TRPC5):c.1398G>A (p.Arg466=)

Gene: TRPC5 (transient receptor potential cation channel subfamily C member 5; minus strand). Cytogenetic location: Xq23.
Variant type: single nucleotide variant.
Coding change: c.1398G>A on transcript NM_012471.3 (MANE Select); coding-DNA position 1398, G replaced by A.
Protein change: p.Arg466=; no amino-acid change (arginine 466 retained).
Molecular consequence: synonymous variant.
Genome position (GRCh38, 1-based): chrX:111,847,416, C>T on the plus strand (G>A on the coding strand, the complement: TRPC5 is on the minus strand). VCF-style: chrX-111847416-C-T. GRCh37 (hg19) VCF-style: chrX-111090644-C-T.
Identifiers: ClinVar variation 3051281 (VCV003051281.2), dbSNP rs753335155, ClinGen allele CA334454011.